The following is an entry in ClinVar:

NM_000138.5(FBN1):c.3400G>A (p.Gly1134Arg)

Gene: FBN1 (fibrillin 1; minus strand). Cytogenetic location: 15q21.1.
Variant type: single nucleotide variant.
Coding change: c.3400G>A on transcript NM_000138.5 (MANE Select); coding-DNA position 3400, G replaced by A.
Protein change: p.Gly1134Arg; replaces glycine 1134 with arginine.
Molecular consequence: missense variant.
Genome position (GRCh38, 1-based): chr15:48,487,375, C>T on the plus strand (G>A on the coding strand, the complement: FBN1 is on the minus strand). VCF-style: chr15-48487375-C-T. GRCh37 (hg19) VCF-style: chr15-48779572-C-T.
Other names: short protein forms G1134R.
Identifiers: ClinVar variation 660460 (VCV000660460.14), dbSNP rs372404949, ClinGen allele CA269531205.

ClinVar aggregate classification (germline): Conflicting classifications of pathogenicity. Review status: criteria provided, conflicting classifications (1 of 4 stars). 4 submissions from 4 submitters: Pathogenic (1); Likely pathogenic (1); Uncertain significance (2). Last evaluated 2026-05-12.

Conditions:
Familial thoracic aortic aneurysm and aortic dissection (TAAD). Also called: Thoracic aortic aneurysms and dissections. Identifiers: Orphanet 91387, MedGen C4707243, MONDO:0019625.
Weill-Marchesani syndrome 2, dominant. Also called: Weill-Marchesani Syndrome, Autosomal Dominant; FBN1-Related Weill-Marchesani Syndrome. Identifiers: Orphanet 2084, MedGen C1869115, MONDO:0012013, OMIM 608328.
Progeroid and marfanoid aspect-lipodystrophy syndrome. Also called: Marfan lipodystrophy syndrome; MARFANOID-PROGEROID SYNDROME; MARFAN-PROGEROID-LIPODYSTROPHY SYNDROME; MARFANOID-PROGEROID-LIPODYSTROPHY SYNDROME. Identifiers: Orphanet 300382, MedGen C4310796, MONDO:0014831, OMIM 616914.
Stiff skin syndrome (SSKS). Identifiers: Orphanet 2833, MedGen C1861456, MONDO:0008492, OMIM 184900.
Acromicric dysplasia (ACMICD). Also called: Acromicric skeletal dysplasia. Identifiers: Orphanet 969, MedGen C0265287, MONDO:0007055, OMIM 102370.
Geleophysic dysplasia 2 (GPHYSD2). Identifiers: Orphanet 2623, MedGen C3280054, MONDO:0013612, OMIM 614185.
Ectopia lentis 1, isolated, autosomal dominant (ECTOL1). Identifiers: Orphanet 1885, MedGen C3541518, MONDO:0007514, OMIM 129600.
Marfan syndrome (MFS). Also called: FBN1-Related Marfan Syndrome; Marfan syndrome type 1; Marfan's syndrome; Marfan syndrome, classic; MARFAN SYNDROME, TYPE I. Identifiers: Orphanet 284963, Orphanet 558, MedGen C0024796, MONDO:0007947, OMIM 154700.
MASS syndrome (OCTD). Also called: MASS PHENOTYPE; OVERLAP CONNECTIVE TISSUE DISEASE. Identifiers: MedGen C1858556, MONDO:0011431, OMIM 604308.

Allele frequency attached by ClinVar (database versions not stated): gnomAD exomes below 0.00001 and 0.00001; TOPMed below 0.00001; gnomAD 0.00001; ESP Exome Variant Server 0.00008.
gnomAD v4.1: 9 of 1,614,054 alleles (0.00056%); highest among the groups gnomAD compares: Non-Finnish European, 0.00076%; no homozygotes.

Submissions (4):

Ambry Genetics
Classification: Likely pathogenic for Familial thoracic aortic aneurysm and aortic dissection. Last evaluated: 2026-05-12. Review status: criteria provided, single submitter. Criteria: Ambry Variant Classification Scheme 2023. Collection method: clinical testing. Allele origin: germline.
Comment: The p.G1134R variant (also known as c.3400G>A), located in coding exon 27 of the FBN1 gene, results from a G to A substitution at nucleotide position 3400. The glycine at codon 1134 is replaced by arginine, an amino acid with dissimilar properties. This variant was reported in individual(s) with features consistent with aortic aneurysm or dissection (external communication). This variant alters a critical glycine in a sterically constrained region and is expected to disrupt FBN1 function (Van Kien PK et al. Hum Mutat. 2010;31(1):E1021-42). This amino acid position is highly conserved in available vertebrate species. In addition, this alteration is predicted to be deleterious by in silico analysis. Based on the majority of available evidence to date, this variant is likely to be pathogenic.

Labcorp Genetics (formerly Invitae), Labcorp
Classification: Pathogenic for Marfan syndrome; Familial thoracic aortic aneurysm and aortic dissection. Last evaluated: 2025-08-22. Review status: criteria provided, single submitter. Criteria: Invitae Variant Classification Sherloc (09022015). Collection method: clinical testing. Allele origin: germline.
Comment: This sequence change replaces glycine, which is neutral and non-polar, with arginine, which is basic and polar, at codon 1134 of the FBN1 protein (p.Gly1134Arg). This variant is present in population databases (rs372404949, gnomAD 0.0009%). This missense change has been observed in individuals with aortopathy (internal data). ClinVar contains an entry for this variant (Variation ID: 660460). Invitae Evidence Modeling of protein sequence and biophysical properties (such as structural, functional, and spatial information, amino acid conservation, physicochemical variation, residue mobility, and thermodynamic stability) indicates that this missense variant is expected to disrupt FBN1 protein function with a positive predictive value of 95%. For these reasons, this variant has been classified as Pathogenic.

Fulgent Genetics
Classification: Uncertain significance for Acromicric dysplasia; Ectopia lentis 1, isolated, autosomal dominant; Marfan syndrome; Stiff skin syndrome; MASS syndrome; Weill-Marchesani syndrome 2, dominant; Geleophysic dysplasia 2; Progeroid and marfanoid aspect-lipodystrophy syndrome. Last evaluated: 2021-10-29. Review status: criteria provided, single submitter. Criteria: ACMG Guidelines, 2015. Collection method: clinical testing. Allele origin: unknown.

GeneDx
Classification: Uncertain significance. Last evaluated: 2019-07-01. Review status: criteria provided, single submitter. Criteria: GeneDx Variant Classification Process June 2021. Collection method: clinical testing. Allele origin: germline. Affected: yes.
Comment: Has not been previously published as pathogenic or benign to our knowledge; Not observed at a significant frequency in large population cohorts (Lek et al., 2016); In silico analysis, which includes protein predictors and evolutionary conservation, supports a deleterious effect; Although located in a calcium-binding EGF-like domain of the FBN1 gene, it does not affect a cysteine residue within this domain; cysteine substitutions in the calcium-binding EGF-like domains represent the majority of pathogenic missense changes associated with FBN1-related disorders (Collod-Beroud et al., 2003).